The following is an entry in ClinVar:

ClinVar aggregate classification (germline): Conflicting classifications of pathogenicity. Review status: criteria provided, conflicting classifications (1 of 4 stars). 4 submissions from 4 submitters: Uncertain significance (2); Likely benign (2). Last evaluated 2026-02-02.

Conditions:
Achondrogenesis, type IB (ACG1B). Also called: Achondrogenesis Type 1B. Identifiers: Orphanet 932, Orphanet 93298, MedGen C0265274, MONDO:0010966, OMIM 600972.
Atelosteogenesis type II (AO2). Also called: SLC26A2-Related Atelosteogenesis; Neonatal osseous dysplasia 1; NEONATAL OSSEOUS DYSPLASIA I. Identifiers: Orphanet 56304, MedGen C1850554, MONDO:0009727, OMIM 256050.
Diastrophic dysplasia (DTD). Also called: Diastrophic dwarfism. Identifiers: Orphanet 628, MedGen C0220726, MONDO:0009107, OMIM 222600.
Multiple epiphyseal dysplasia type 4 (EDM4). Also called: Multiple Epiphyseal Dysplasia, Recessive; MULTIPLE EPIPHYSEAL DYSPLASIA WITH BILAYERED PATELLAE; MULTIPLE EPIPHYSEAL DYSPLASIA WITH CLUBFOOT; MULTIPLE EPIPHYSEAL DYSPLASIA, AUTOSOMAL RECESSIVE; SLC26A2-Related Multiple Epiphyseal Dysplasia. Identifiers: Orphanet 93307, MedGen C1847593, MONDO:0009189, OMIM 226900.
SLC26A2-related disorder. Also called: SLC26A2-related condition; SLC26A2-related disorders. Identifiers: MedGen CN239404.

Allele frequency attached by ClinVar (database versions not stated): ESP Exome Variant Server 0.00008; gnomAD 0.00011 and 0.00013; TOPMed 0.00014; gnomAD exomes 0.00016 and 0.00022; ExAC 0.00018; 1000 Genomes Project 0.00040; 1000 Genomes Project 30x 0.00062.
gnomAD v4.1: 357 of 1,614,098 alleles (0.022%); highest among the groups gnomAD compares: Non-Finnish European, 0.026%; no homozygotes.

Submissions (4):

Labcorp Genetics (formerly Invitae), Labcorp
Classification: Likely benign for Atelosteogenesis type II; Multiple epiphyseal dysplasia type 4; Achondrogenesis, type IB; Diastrophic dysplasia. Last evaluated: 2026-02-02. Review status: criteria provided, single submitter. Criteria: Invitae Variant Classification Sherloc (09022015). Collection method: clinical testing. Allele origin: germline.

PreventionGenetics, part of Exact Sciences
Classification: Uncertain significance for SLC26A2-related condition. Last evaluated: 2025-03-19. Review status: criteria provided, single submitter. Criteria: ACMG Guidelines, 2015. Collection method: clinical testing. Allele origin: germline.
Comment: The SLC26A2 c.173G>A variant is predicted to result in the amino acid substitution p.Arg58His. To our knowledge, this variant has not been reported in the literature. This variant is reported in 0.027% of alleles in individuals of European (Non-Finnish) descent in gnomAD. At this time, the clinical significance of this variant is uncertain due to the absence of conclusive functional and genetic evidence.

Revvity Omics, Revvity
Classification: Uncertain significance. Last evaluated: 2020-09-19. Review status: criteria provided, single submitter. Criteria: ACMG Guidelines, 2015. Collection method: clinical testing. Allele origin: germline.

Breakthrough Genomics
Classification: Likely benign. Review status: criteria provided, single submitter. Criteria: ACMG Guidelines, 2015. Collection method: not provided. Allele origin: germline. Inheritance: Autosomal recessive inheritance. Affected: yes.

NM_000112.4(SLC26A2):c.173G>A (p.Arg58His)

Gene: SLC26A2 (solute carrier family 26 member 2; plus strand). Cytogenetic location: 5q32.
Variant type: single nucleotide variant.
Coding change: c.173G>A on transcript NM_000112.4 (MANE Select); coding-DNA position 173, G replaced by A.
Protein change: p.Arg58His; replaces arginine 58 with histidine.
Molecular consequence: missense variant.
Genome position (GRCh38, 1-based): chr5:149,977,825, G>A. VCF-style: chr5-149977825-G-A. GRCh37 (hg19) VCF-style: chr5-149357388-G-A.
Other names: c.173G>A (NM_000112.3); short protein forms R58H.
Identifiers: ClinVar variation 1127220 (VCV001127220.13), dbSNP rs199893058, ClinGen allele CA3505216.
Genomic context (GRCh38, chr5:149,977,825, plus strand): 5'-ACTTCAAGCAATTTGAGACCAATGATCAATGCAGACCTTATCATAGGATCCTTATTGAGC[G>A]TCAAGAGAAATCAGATACAAACTTCAAGGAGTTTGTTATTAAAAAGCTGCAGAAGAATTG-3'
Protein context (NP_000103.2, residues 48-68): CRPYHRILIE[Arg58His]QEKSDTNFKE